The following is an entry in ClinVar:

NM_001206999.2(CIT):c.4022C>T (p.Thr1341Met)

Gene: CIT (citron rho-interacting serine/threonine kinase; minus strand). Cytogenetic location: 12q24.23.
Variant type: single nucleotide variant.
Coding change: c.4022C>T on transcript NM_001206999.2 (MANE Select); coding-DNA position 4022, C replaced by T.
Protein change: p.Thr1341Met; replaces threonine 1341 with methionine.
Molecular consequence: missense variant.
Genome position (GRCh38, 1-based): chr12:119,718,391, G>A on the plus strand (C>T on the coding strand, the complement: CIT is on the minus strand). VCF-style: chr12-119718391-G-A. GRCh37 (hg19) VCF-style: chr12-120156196-G-A.
Other names: c.3896C>T, p.Thr1299Met (NM_007174.3); c.4022C>T (NM_001206999.1); short protein forms T1299M, T1341M.
Identifiers: ClinVar variation 2179190 (VCV002179190.6), dbSNP rs536084112, ClinGen allele CA6821363.

ClinVar aggregate classification (germline): Uncertain significance. Review status: criteria provided, multiple submitters, no conflicts (2 of 4 stars). 2 submissions from 2 submitters: Uncertain significance (2). Last evaluated 2025-09-26.

Conditions:
Inborn genetic diseases. Identifiers: MedGen C0950123, MeSH D030342.

Allele frequency attached by ClinVar (database versions not stated): TOPMed 0.00004; ExAC 0.00007; gnomAD 0.00007; 1000 Genomes Project 30x 0.00016; 1000 Genomes Project 0.00020.
gnomAD v4.1: 54 of 1,612,854 alleles (0.0033%); highest among the groups gnomAD compares: Admixed American, 0.017%; no homozygotes.

Submissions (2):

Ambry Genetics
Classification: Uncertain significance for Inborn genetic diseases. Last evaluated: 2025-09-26. Review status: criteria provided, single submitter. Criteria: Ambry Variant Classification Scheme 2023. Collection method: clinical testing. Allele origin: germline.

Labcorp Genetics (formerly Invitae), Labcorp
Classification: Uncertain significance. Last evaluated: 2022-08-09. Review status: criteria provided, single submitter. Criteria: Invitae Variant Classification Sherloc (09022015). Collection method: clinical testing. Allele origin: germline.
Comment: In summary, the available evidence is currently insufficient to determine the role of this variant in disease. Therefore, it has been classified as a Variant of Uncertain Significance. Algorithms developed to predict the effect of missense changes on protein structure and function (SIFT, PolyPhen-2, Align-GVGD) all suggest that this variant is likely to be tolerated. This variant has not been reported in the literature in individuals affected with CIT-related conditions. This variant is present in population databases (rs536084112, gnomAD 0.03%). This sequence change replaces threonine, which is neutral and polar, with methionine, which is neutral and non-polar, at codon 1341 of the CIT protein (p.Thr1341Met).